The following is an entry in ClinVar:

NM_004415.4(DSP):c.1813A>T (p.Lys605Ter)

Gene: DSP (desmoplakin; plus strand). Cytogenetic location: 6p24.3.
Variant type: single nucleotide variant.
Coding change: c.1813A>T on transcript NM_004415.4 (MANE Select); coding-DNA position 1813, A replaced by T.
Protein change: p.Lys605Ter; replaces lysine 605 with a stop codon.
Molecular consequence: nonsense.
Genome position (GRCh38, 1-based): chr6:7,571,494, A>T. VCF-style: chr6-7571494-A-T. GRCh37 (hg19) VCF-style: chr6-7571727-A-T.
Other names: c.1813A>T, p.Lys605Ter (NM_001008844.3, NM_001319034.2); short protein forms K605*.
Identifiers: ClinVar variation 4786151 (VCV004786151.1).

ClinVar aggregate classification (germline): Pathogenic (1 of 4 stars; one submission).

Conditions:
Arrhythmogenic cardiomyopathy with wooly hair and keratoderma. Also called: Carvajal syndrome; PALMOPLANTAR KERATODERMA WITH LEFT VENTRICULAR CARDIOMYOPATHY AND WOOLLY HAIR; Dilated cardiomyopathy with woolly hair and keratoderma; Arrhythmogenic cardiomyopathy with woolly hair and keratoderma. Identifiers: Orphanet 65282, MedGen C1854063, MONDO:0011581, OMIM 605676.
Arrhythmogenic right ventricular dysplasia 8 (ARVD8). Also called: Arrhythmogenic Right Ventricular Dysplasia/Cardiomyopathy 8; ARRHYTHMOGENIC RIGHT VENTRICULAR DYSPLASIA, FAMILIAL, 8; ARRHYTHMOGENIC RIGHT VENTRICULAR CARDIOMYOPATHY 8. Identifiers: MedGen C1843896, MONDO:0011831, OMIM 607450.

Submission:

Labcorp Genetics (formerly Invitae), Labcorp
Classification: Pathogenic for Arrhythmogenic cardiomyopathy with wooly hair and keratoderma; Arrhythmogenic right ventricular dysplasia 8. Last evaluated: 2025-09-16. Review status: criteria provided, single submitter. Criteria: Invitae Variant Classification Sherloc (09022015). Collection method: clinical testing. Allele origin: germline.
Comment: This sequence change creates a premature translational stop signal (p.Lys605*) in the DSP gene. It is expected to result in an absent or disrupted protein product. Loss-of-function variants in DSP are known to be pathogenic (PMID: 20716751, 24503780, 25227139). This variant is not present in population databases (gnomAD no frequency). This variant has not been reported in the literature in individuals affected with DSP-related conditions. For these reasons, this variant has been classified as Pathogenic.

Literature cited by the submitters: PubMed 20716751; PubMed 24503780; PubMed 25227139.